The following is an entry in ClinVar:

NM_000062.3(SERPING1):c.921A>G (p.Lys307=)

Gene: SERPING1 (serpin family G member 1; plus strand). Cytogenetic location: 11q12.1.
Variant type: single nucleotide variant.
Coding change: c.921A>G on transcript NM_000062.3 (MANE Select); coding-DNA position 921, A replaced by G.
Protein change: p.Lys307=; no amino-acid change (lysine 307 retained).
Molecular consequence: synonymous variant.
Genome position (GRCh38, 1-based): chr11:57,606,439, A>G. VCF-style: chr11-57606439-A-G. GRCh37 (hg19) VCF-style: chr11-57373912-A-G.
Other names: c.921A>G, p.Lys307= (NM_001032295.2); c.921A>G (NM_000062.2).
Identifiers: ClinVar variation 1545749 (VCV001545749.9), dbSNP rs781097588, ClinGen allele CA6008162.
Genomic context (GRCh38, chr11:57,606,439, plus strand): 5'-AGAGCAACCCTCCCACCTCTTCCCTCTAGCCAAGTGGAAGACAACATTTGATCCCAAGAA[A>G]ACCAGAATGGAACCCTTTCACTTCAAAAACTCAGTTATAAAAGTGCCCATGATGAATAGC-3'
Protein context (NP_000053.2, residues 297-317): AKWKTTFDPK[Lys307=]TRMEPFHFKN

ClinVar aggregate classification (germline): Likely benign. Review status: criteria provided, single submitter (1 of 4 stars). 2 submissions from 2 submitters: Likely benign (1). 1 of the submissions does not count toward it. Last evaluated 2025-03-06.

Conditions:
SERPING1-related disorder. Also called: SERPING1-related condition.

Allele frequency attached by ClinVar (database versions not stated): ExAC 0.00002; gnomAD exomes 0.00002 and 0.00003; gnomAD 0.00003; TOPMed 0.00003.
gnomAD v4.1: 36 of 1,614,074 alleles (0.0022%); highest among the groups gnomAD compares: Admixed American, 0.012%; no homozygotes.

Submissions (2):

Labcorp Genetics (formerly Invitae), Labcorp
Classification: Likely benign. Last evaluated: 2025-03-06. Review status: criteria provided, single submitter. Criteria: Invitae Variant Classification Sherloc (09022015). Collection method: clinical testing. Allele origin: germline.

PreventionGenetics, part of Exact Sciences
Classification: Likely benign for SERPING1-related condition. Last evaluated: 2019-04-08. Review status: no assertion criteria provided. Collection method: clinical testing. Allele origin: germline. Not counted in ClinVar's aggregate classification.
Comment: This variant is classified as likely benign based on ACMG/AMP sequence variant interpretation guidelines (Richards et al. 2015 PMID: 25741868, with internal and published modifications).